The following is an entry in ClinVar:

NM_000416.3(IFNGR1):c.1228A>C (p.Asn410His)

Gene: IFNGR1 (interferon gamma receptor 1; minus strand). Cytogenetic location: 6q23.3.
Variant type: single nucleotide variant.
Coding change: c.1228A>C on transcript NM_000416.3 (MANE Select); coding-DNA position 1228, A replaced by C.
Protein change: p.Asn410His; replaces asparagine 410 with histidine.
Molecular consequence: missense variant.
Genome position (GRCh38, 1-based): chr6:137,198,273, T>G on the plus strand (A>C on the coding strand, the complement: IFNGR1 is on the minus strand). VCF-style: chr6-137198273-T-G. GRCh37 (hg19) VCF-style: chr6-137519410-T-G.
Other names: c.1198A>C, p.Asn400His (NM_001363526.1); c.1105A>C, p.Asn369His (NM_001363527.1); short protein forms N369H, N400H, N410H.
Identifiers: ClinVar variation 1721351 (VCV001721351.5), dbSNP rs1006647846, ClinGen allele CA365772437.
Genomic context (GRCh38, chr6:137,198,273, plus strand): 5'-ATTCTGAGTCAGATAAGGAGCTATGTGATTCCAGACAGCTGGAATCAGTATCAAAACCAT[T>G]TCTGGAGTGATCACTCTCAGAACAATTTCTGGAGTGATACGAGTTTAAAGCGATGCTGCC-3'
Protein context (NP_000407.1, residues 400-420): RNCSESDHSR[Asn410His]GFDTDSSCLE

ClinVar aggregate classification (germline): Uncertain significance (1 of 4 stars; one submission).

Conditions:
Disseminated atypical mycobacterial infection. Identifiers: MedGen C0694566.

gnomAD v4.1: 1 of 1,614,004 alleles (0.000062%); highest among the groups gnomAD compares: Middle Eastern, 0.016%; no homozygotes.

Submission:

Labcorp Genetics (formerly Invitae), Labcorp
Classification: Uncertain significance for Disseminated atypical mycobacterial infection. Last evaluated: 2022-10-09. Review status: criteria provided, single submitter. Criteria: Invitae Variant Classification Sherloc (09022015). Collection method: clinical testing. Allele origin: germline.
Comment: This sequence change replaces asparagine, which is neutral and polar, with histidine, which is basic and polar, at codon 410 of the IFNGR1 protein (p.Asn410His). This variant is not present in population databases (gnomAD no frequency). In summary, the available evidence is currently insufficient to determine the role of this variant in disease. Therefore, it has been classified as a Variant of Uncertain Significance. Algorithms developed to predict the effect of missense changes on protein structure and function are either unavailable or do not agree on the potential impact of this missense change (SIFT: "Deleterious"; PolyPhen-2: "Possibly Damaging"; Align-GVGD: "Class C0"). This variant has not been reported in the literature in individuals affected with IFNGR1-related conditions.